The following is an entry in ClinVar:

ClinVar aggregate classification (germline): Conflicting classifications of pathogenicity. Review status: criteria provided, conflicting classifications (1 of 4 stars). 3 submissions from 3 submitters: Uncertain significance (2); Likely benign (1). Last evaluated 2025-12-30.

Conditions:
Hereditary cancer-predisposing syndrome. Also called: Neoplastic Syndromes, Hereditary; Hereditary Cancer Syndrome; Hereditary neoplastic syndrome; Tumor predisposition. Identifiers: Orphanet 140162, MedGen C0027672, MeSH D009386, MONDO:0015356.
Gastrointestinal stromal tumor. Also called: Gastrointestinal stromal tumor, somatic; Gastrointestinal stroma tumor. Identifiers: Orphanet 44890, MedGen C0238198, MeSH D046152, MONDO:0011719, OMIM 606764, HP:0100723.

Allele frequency attached by ClinVar (database versions not stated): ExAC 0.00002; gnomAD exomes 0.00002; TOPMed 0.00002.

Submissions (3):

Labcorp Genetics (formerly Invitae), Labcorp
Classification: Uncertain significance for Gastrointestinal stromal tumor. Last evaluated: 2025-12-30. Review status: criteria provided, single submitter. Criteria: Invitae Variant Classification Sherloc (09022015). Collection method: clinical testing. Allele origin: germline.
Comment: This sequence change replaces aspartic acid, which is acidic and polar, with asparagine, which is neutral and polar, at codon 52 of the KIT protein (p.Asp52Asn). This variant is present in population databases (rs121913505, gnomAD 0.02%). This variant has not been reported in the literature in individuals affected with KIT-related conditions. ClinVar contains an entry for this variant (Variation ID: 376254). An algorithm developed to predict the effect of missense changes on protein structure and function outputs the following: PolyPhen-2: "Benign". The asparagine amino acid residue is found in multiple mammalian species, which suggests that this missense change does not adversely affect protein function. In summary, the available evidence is currently insufficient to determine the role of this variant in disease. Therefore, it has been classified as a Variant of Uncertain Significance.

GeneDx
Classification: Uncertain significance. Last evaluated: 2023-10-17. Review status: criteria provided, single submitter. Criteria: GeneDx Variant Classification Process June 2021. Collection method: clinical testing. Allele origin: germline. Affected: yes.
Comment: Not observed at significant frequency in large population cohorts (gnomAD); In silico analysis supports that this missense variant does not alter protein structure/function; Has not been previously published as pathogenic or benign to our knowledge; This variant is associated with the following publications: (PMID: 25157968)

Ambry Genetics
Classification: Likely benign for Hereditary cancer-predisposing syndrome. Last evaluated: 2019-03-22. Review status: criteria provided, single submitter. Criteria: Ambry Variant Classification Scheme 2023. Collection method: clinical testing. Allele origin: germline.

NM_000222.3(KIT):c.154G>A (p.Asp52Asn)

Gene: KIT (KIT proto-oncogene, receptor tyrosine kinase; plus strand). Cytogenetic location: 4q12.
Variant type: single nucleotide variant.
Coding change: c.154G>A on transcript NM_000222.3 (MANE Select); coding-DNA position 154, G replaced by A.
Protein change: p.Asp52Asn; replaces aspartic acid 52 with asparagine.
Molecular consequence: missense variant.
Genome position (GRCh38, 1-based): chr4:54,695,598, G>A. VCF-style: chr4-54695598-G-A. GRCh37 (hg19) VCF-style: chr4-55561764-G-A.
Other names: c.154G>A, p.Asp52Asn (NM_001093772.2, NM_001385284.1, NM_001385285.1 and 4 more transcripts); short protein forms D52N.
Identifiers: ClinVar variation 376254 (VCV000376254.15), dbSNP rs121913505, ClinGen allele CA2923175.
Genomic context (GRCh38, chr4:54,695,598, plus strand): 5'-GGGGAACCGTCTCCACCATCCATCCATCCAGGAAAATCAGACTTAATAGTCCGCGTGGGC[G>A]ACGAGATTAGGCTGTTATGCACTGATCCGGGCTTTGTCAAATGGACTTTTGAGATCCTGG-3'
Protein context (NP_000213.1, residues 42-62): GKSDLIVRVG[Asp52Asn]EIRLLCTDPG